The following is an entry in ClinVar:

NM_001099436.4(ULK3):c.295C>T (p.Leu99=)

Gene: ULK3 (unc-51 like kinase 3; minus strand). Cytogenetic location: 15q24.1.
Variant type: single nucleotide variant.
Coding change: c.295C>T on transcript NM_001099436.4 (MANE Select); coding-DNA position 295, C replaced by T.
Protein change: p.Leu99=; no amino-acid change (leucine 99 retained).
Molecular consequence: synonymous variant. On other transcripts: non-coding transcript variant (3), intron variant (1).
Genome position (GRCh38, 1-based): chr15:74,842,144, G>A on the plus strand (C>T on the coding strand, the complement: ULK3 is on the minus strand). VCF-style: chr15-74842144-G-A. GRCh37 (hg19) VCF-style: chr15-75134485-G-A.
Other names: c.295C>T, p.Leu99= (NM_001284364.3, NM_015518.1); c.328C>T, p.Leu110= (NM_001411082.1); c.-31-26C>T (NM_001284365.3).
Identifiers: ClinVar variation 2645549 (VCV002645549.24), dbSNP rs188373666, ClinGen allele CA7661796.

ClinVar aggregate classification (germline): Likely benign (1 of 4 stars; one submission).

Allele frequency attached by ClinVar (database versions not stated): 1000 Genomes Project 30x 0.00031; TOPMed 0.00036; 1000 Genomes Project 0.00040; ESP Exome Variant Server 0.00055; gnomAD 0.00064; gnomAD exomes 0.00067; ExAC 0.00068.
gnomAD v4.1: 1,078 of 1,613,990 alleles (0.067%); highest among the groups gnomAD compares: South Asian, 0.23%; 5 homozygotes.

Submission:

CeGaT Center for Human Genetics Tuebingen
Classification: Likely benign. Last evaluated: 2022-08-01. Review status: criteria provided, single submitter. Criteria: CeGaT Center For Human Genetics Tuebingen Variant Classification Criteria Version 2. Collection method: clinical testing. Allele origin: germline. Affected: yes. Observed: 1 variant allele.
Comment: ULK3: BP4, BP7